The following is an entry in ClinVar:

ClinVar aggregate classification (germline): Uncertain significance (1 of 4 stars; one submission).

gnomAD v4.1: 10 of 1,613,870 alleles (0.00062%); highest among the groups gnomAD compares: African/African-American, 0.0013%; no homozygotes.

Submission:

Labcorp Genetics (formerly Invitae), Labcorp
Classification: Uncertain significance. Last evaluated: 2024-12-18. Review status: criteria provided, single submitter. Criteria: Invitae Variant Classification Sherloc (09022015). Collection method: clinical testing. Allele origin: germline.
Comment: This sequence change replaces arginine, which is basic and polar, with histidine, which is basic and polar, at codon 494 of the PCNT protein (p.Arg494His). This variant is present in population databases (rs201360311, gnomAD 0.0009%). This variant has not been reported in the literature in individuals affected with PCNT-related conditions. An algorithm developed to predict the effect of missense changes on protein structure and function outputs the following: PolyPhen-2: "Benign". The histidine amino acid residue is found in multiple mammalian species, which suggests that this missense change does not adversely affect protein function. In summary, the available evidence is currently insufficient to determine the role of this variant in disease. Therefore, it has been classified as a Variant of Uncertain Significance.

NM_006031.6(PCNT):c.1481G>A (p.Arg494His)

Gene: PCNT (pericentrin; plus strand). Cytogenetic location: 21q22.3.
Variant type: single nucleotide variant.
Coding change: c.1481G>A on transcript NM_006031.6 (MANE Select); coding-DNA position 1481, G replaced by A.
Protein change: p.Arg494His; replaces arginine 494 with histidine.
Molecular consequence: missense variant.
Genome position (GRCh38, 1-based): chr21:46,353,128, G>A. VCF-style: chr21-46353128-G-A. GRCh37 (hg19) VCF-style: chr21-47773042-G-A.
Other names: c.1127G>A, p.Arg376His (NM_001315529.2); short protein forms R376H, R494H.
Identifiers: ClinVar variation 3617679 (VCV003617679.2).